The following is an entry in ClinVar:

NM_201596.3(CACNB2):c.1693T>C (p.Ser565Pro)

Gene: CACNB2 (calcium voltage-gated channel auxiliary subunit beta 2; plus strand). Cytogenetic location: 10p12.31.
Variant type: single nucleotide variant.
Coding change: c.1693T>C on transcript NM_201596.3 (MANE Select); coding-DNA position 1693, T replaced by C.
Protein change: p.Ser565Pro; replaces serine 565 with proline.
Molecular consequence: missense variant.
Genome position (GRCh38, 1-based): chr10:18,539,434, T>C. VCF-style: chr10-18539434-T-C. GRCh37 (hg19) VCF-style: chr10-18828363-T-C.
Other names: c.1528T>C, p.Ser510Pro (NM_000724.4); c.1495T>C, p.Ser499Pro (NM_001167945.2); c.1414T>C, p.Ser472Pro (NM_001330060.2); c.1435T>C, p.Ser479Pro (NM_001410882.1); c.1549T>C, p.Ser517Pro (NM_201570.3); c.1609T>C, p.Ser537Pro (NM_201571.4); c.1537T>C, p.Ser513Pro (NM_201572.4); c.1531T>C, p.Ser511Pro (NM_201590.3); and 2 more; short protein forms S472P, S479P, S499P, S510P, S511P, S513P, S517P, S527P.
Identifiers: ClinVar variation 1718765 (VCV001718765.5), dbSNP rs2494914116, ClinGen allele CA376071768.

ClinVar aggregate classification (germline): Uncertain significance (1 of 4 stars; one submission).

Conditions:
Brugada syndrome 4 (BRGDA4). Identifiers: Orphanet 130, MedGen C2678477, MONDO:0012743, OMIM 611876.

Submission:

Labcorp Genetics (formerly Invitae), Labcorp
Classification: Uncertain significance for Brugada syndrome 4. Last evaluated: 2022-09-03. Review status: criteria provided, single submitter. Criteria: Invitae Variant Classification Sherloc (09022015). Collection method: clinical testing. Allele origin: germline.
Comment: In summary, the available evidence is currently insufficient to determine the role of this variant in disease. Therefore, it has been classified as a Variant of Uncertain Significance. Algorithms developed to predict the effect of missense changes on protein structure and function are either unavailable or do not agree on the potential impact of this missense change (SIFT: "Tolerated"; PolyPhen-2: "Probably Damaging"; Align-GVGD: "Class C0"). This variant has not been reported in the literature in individuals affected with CACNB2-related conditions. This variant is not present in population databases (gnomAD no frequency). This sequence change replaces serine, which is neutral and polar, with proline, which is neutral and non-polar, at codon 511 of the CACNB2 protein (p.Ser511Pro).